The following is an entry in ClinVar:

NM_003500.4(ACOX2):c.1829T>C (p.Leu610Pro)

Gene: ACOX2 (acyl-CoA oxidase 2; minus strand). Cytogenetic location: 3p14.3.
Variant type: single nucleotide variant.
Coding change: c.1829T>C on transcript NM_003500.4 (MANE Select); coding-DNA position 1829, T replaced by C.
Protein change: p.Leu610Pro; replaces leucine 610 with proline.
Molecular consequence: missense variant.
Genome position (GRCh38, 1-based): chr3:58,517,227, A>G on the plus strand (T>C on the coding strand, the complement: ACOX2 is on the minus strand). VCF-style: chr3-58517227-A-G. GRCh37 (hg19) VCF-style: chr3-58502954-A-G.
Other names: short protein forms L610P.
Identifiers: ClinVar variation 3627750 (VCV003627750.2).

ClinVar aggregate classification (germline): Uncertain significance (1 of 4 stars; one submission).

gnomAD v4.1: 14 of 1,614,022 alleles (0.00087%); highest among the groups gnomAD compares: Admixed American, 0.0033%; no homozygotes.

Submission:

Labcorp Genetics (formerly Invitae), Labcorp
Classification: Uncertain significance. Last evaluated: 2025-05-17. Review status: criteria provided, single submitter. Criteria: Invitae Variant Classification Sherloc (09022015). Collection method: clinical testing. Allele origin: germline.
Comment: This sequence change replaces leucine, which is neutral and non-polar, with proline, which is neutral and non-polar, at codon 610 of the ACOX2 protein (p.Leu610Pro). This variant is present in population databases (rs769163504, gnomAD 0.003%). This variant has not been reported in the literature in individuals affected with ACOX2-related conditions. ClinVar contains an entry for this variant (Variation ID: 3627750). Invitae Evidence Modeling of protein sequence and biophysical properties (such as structural, functional, and spatial information, amino acid conservation, physicochemical variation, residue mobility, and thermodynamic stability) indicates that this missense variant is not expected to disrupt ACOX2 protein function with a negative predictive value of 80%. In summary, the available evidence is currently insufficient to determine the role of this variant in disease. Therefore, it has been classified as a Variant of Uncertain Significance.